The following is an entry in ClinVar:

ClinVar aggregate classification (germline): Benign (1 of 4 stars; one submission).

Conditions:
Hyper-IgE recurrent infection syndrome 1, autosomal dominant. Also called: HYPER-IgE SYNDROME 1, AUTOSOMAL DOMINANT, WITH RECURRENT INFECTIONS; Job's Syndrome; JOB SYNDROME; STAT3 Hyper IgE Syndrome; Hyper-IgE recurrent infection syndrome 1. Identifiers: Orphanet 2314, MedGen C2936739, MONDO:0007818, OMIM 147060.

Allele frequency attached by ClinVar (database versions not stated): gnomAD 0.00050 and 0.00066; gnomAD exomes 0.00056; TOPMed 0.00060; 1000 Genomes Project 30x 0.00265; 1000 Genomes Project 0.00319.
gnomAD v4.1: 259 of 409,524 alleles (0.063%); highest among the groups gnomAD compares: East Asian, 0.77%; 3 homozygotes.

Submission:

Illumina Laboratory Services, Illumina
Classification: Benign for Hyper-IgE recurrent infection syndrome 1, autosomal dominant. Last evaluated: 2018-01-13. Review status: criteria provided, single submitter. Criteria: ICSL Variant Classification Criteria 13 December 2019. Collection method: clinical testing. Allele origin: germline.
Comment: This variant was observed in the ICSL laboratory as part of a predisposition screen in an ostensibly healthy population. It had not been previously curated by ICSL or reported in the Human Gene Mutation Database (HGMD: prior to June 1st, 2018), and was therefore a candidate for classification through an automated scoring system. Utilizing variant allele frequency, disease prevalence and penetrance estimates, and inheritance mode, an automated score was calculated to assess if this variant is too frequent to cause the disease. Based on the score and internal cut-off values, a variant classified as benign is not then subjected to further curation. The score for this variant resulted in a classification of benign for this disease.

NM_139276.3(STAT3):c.*402G>A

Gene: STAT3 (signal transducer and activator of transcription 3; minus strand). Cytogenetic location: 17q21.2.
Variant type: single nucleotide variant.
Coding change: c.*402G>A on transcript NM_139276.3 (MANE Select); 402 bases downstream of the stop codon, G replaced by A.
Molecular consequence: 3 prime UTR variant.
Genome position (GRCh38, 1-based): chr17:42,315,343, C>T on the plus strand (G>A on the coding strand, the complement: STAT3 is on the minus strand). VCF-style: chr17-42315343-C-T. GRCh37 (hg19) VCF-style: chr17-40467361-C-T.
Other names: c.*402G>A (NM_001369512.1, NM_001369513.1, NM_001369514.1 and 2 more transcripts); c.*496G>A (NM_001369517.1, NM_001369518.1, NM_001369519.1 and 2 more transcripts).
Identifiers: ClinVar variation 888957 (VCV000888957.4), dbSNP rs186798539, ClinGen allele CA290726565.